The following is an entry in ClinVar:

ClinVar aggregate classification (germline): Uncertain significance (1 of 4 stars; one submission).

Conditions:
Renal cell carcinoma. Identifiers: Orphanet 217071, MedGen C0007134, MeSH D002292, MONDO:0005086, HP:0005584.

Submission:

Labcorp Genetics (formerly Invitae), Labcorp
Classification: Uncertain significance for Renal cell carcinoma. Last evaluated: 2023-05-31. Review status: criteria provided, single submitter. Criteria: Invitae Variant Classification Sherloc (09022015). Collection method: clinical testing. Allele origin: germline.
Comment: This sequence change replaces threonine, which is neutral and polar, with isoleucine, which is neutral and non-polar, at codon 820 of the MET protein (p.Thr820Ile). This variant is not present in population databases (gnomAD no frequency). This variant has not been reported in the literature in individuals affected with MET-related conditions. ClinVar contains an entry for this variant (Variation ID: 1720115). An algorithm developed to predict the effect of missense changes on protein structure and function (PolyPhen-2) suggests that this variant is likely to be disruptive. Algorithms developed to predict the effect of sequence changes on RNA splicing suggest that this variant may create or strengthen a splice site. In summary, the available evidence is currently insufficient to determine the role of this variant in disease. Therefore, it has been classified as a Variant of Uncertain Significance.

NM_000245.4(MET):c.2405C>T (p.Thr802Ile)

Gene: MET (MET proto-oncogene, receptor tyrosine kinase; plus strand). Cytogenetic location: 7q31.2.
Variant type: single nucleotide variant.
Coding change: c.2405C>T on transcript NM_000245.4 (MANE Select); coding-DNA position 2405, C replaced by T.
Protein change: p.Thr802Ile; replaces threonine 802 with isoleucine.
Molecular consequence: missense variant.
Genome position (GRCh38, 1-based): chr7:116,763,090, C>T. VCF-style: chr7-116763090-C-T. GRCh37 (hg19) VCF-style: chr7-116403144-C-T.
Other names: c.2459C>T, p.Thr820Ile (NM_001127500.3); c.2405C>T, p.Thr802Ile (NM_001324401.3); c.1115C>T, p.Thr372Ile (NM_001324402.2); short protein forms T372I, T802I, T820I.
Identifiers: ClinVar variation 1720115 (VCV001720115.6), dbSNP rs1288477621, ClinGen allele CA368983036.